The following is an entry in ClinVar:

ClinVar aggregate classification (germline): Uncertain significance (1 of 4 stars; one submission).

Conditions:
Colorectal cancer, hereditary nonpolyposis, type 7. Identifiers: Orphanet 144, MedGen C1858380, MONDO:0013725, OMIM 614385.

Submission:

Labcorp Genetics (formerly Invitae), Labcorp
Classification: Uncertain significance for Colorectal cancer, hereditary nonpolyposis, type 7. Last evaluated: 2022-12-04. Review status: criteria provided, single submitter. Criteria: Invitae Variant Classification Sherloc (09022015). Collection method: clinical testing. Allele origin: germline.
Comment: In summary, the available evidence is currently insufficient to determine the role of this variant in disease. Therefore, it has been classified as a Variant of Uncertain Significance. Algorithms developed to predict the effect of missense changes on protein structure and function are either unavailable or do not agree on the potential impact of this missense change (SIFT: "Deleterious"; PolyPhen-2: "Probably Damaging"; Align-GVGD: "Class C0"). This variant has not been reported in the literature in individuals affected with MLH3-related conditions. This variant is not present in population databases (gnomAD no frequency). This sequence change replaces glutamic acid, which is acidic and polar, with glycine, which is neutral and non-polar, at codon 1242 of the MLH3 protein (p.Glu1242Gly).

NM_001040108.2(MLH3):c.3725A>G (p.Glu1242Gly)

Gene: MLH3 (mutL homolog 3; minus strand). Cytogenetic location: 14q24.3.
Variant type: single nucleotide variant.
Coding change: c.3725A>G on transcript NM_001040108.2 (MANE Select); coding-DNA position 3725, A replaced by G.
Protein change: p.Glu1242Gly; replaces glutamic acid 1242 with glycine.
Molecular consequence: missense variant.
Genome position (GRCh38, 1-based): chr14:75,032,170, T>C on the plus strand (A>G on the coding strand, the complement: MLH3 is on the minus strand). VCF-style: chr14-75032170-T-C. GRCh37 (hg19) VCF-style: chr14-75498873-T-C.
Other names: c.3653A>G, p.Glu1218Gly (NM_014381.3); short protein forms E1218G, E1242G.
Identifiers: ClinVar variation 2060263 (VCV002060263.4), dbSNP rs2503133310, ClinGen allele CA390425073.